The following is an entry in ClinVar:

NM_005228.5(EGFR):c.1613A>G (p.Lys538Arg)

Gene: EGFR (epidermal growth factor receptor; plus strand). Cytogenetic location: 7p11.2.
Variant type: single nucleotide variant.
Coding change: c.1613A>G on transcript NM_005228.5 (MANE Select); coding-DNA position 1613, A replaced by G.
Protein change: p.Lys538Arg; replaces lysine 538 with arginine.
Molecular consequence: missense variant.
Genome position (GRCh38, 1-based): chr7:55,161,613, A>G. VCF-style: chr7-55161613-A-G. GRCh37 (hg19) VCF-style: chr7-55229306-A-G.
Other names: c.1478A>G, p.Lys493Arg (NM_001346897.2, NM_001346899.2); c.1613A>G, p.Lys538Arg (NM_001346898.2, NM_201282.2, NM_201284.2); c.1454A>G, p.Lys485Arg (NM_001346900.2); c.812A>G, p.Lys271Arg (NM_001346941.2); short protein forms K271R, K493R, K485R, K538R.
Identifiers: ClinVar variation 3709473 (VCV003709473.2).

ClinVar aggregate classification (germline): Uncertain significance (1 of 4 stars; one submission).

Conditions:
EGFR-related lung cancer (EGFR). Identifiers: MedGen CN130014.

Submission:

Labcorp Genetics (formerly Invitae), Labcorp
Classification: Uncertain significance for EGFR-related lung cancer. Last evaluated: 2024-09-12. Review status: criteria provided, single submitter. Criteria: Invitae Variant Classification Sherloc (09022015). Collection method: clinical testing. Allele origin: germline.
Comment: This sequence change replaces lysine, which is basic and polar, with arginine, which is basic and polar, at codon 538 of the EGFR protein (p.Lys538Arg). This variant is not present in population databases (gnomAD no frequency). This variant has not been reported in the literature in individuals affected with EGFR-related conditions. Invitae Evidence Modeling of protein sequence and biophysical properties (such as structural, functional, and spatial information, amino acid conservation, physicochemical variation, residue mobility, and thermodynamic stability) indicates that this missense variant is not expected to disrupt EGFR protein function with a negative predictive value of 80%. Algorithms developed to predict the effect of sequence changes on RNA splicing suggest that this variant may disrupt the consensus splice site. In summary, the available evidence is currently insufficient to determine the role of this variant in disease. Therefore, it has been classified as a Variant of Uncertain Significance.